The following is an entry in ClinVar:

ClinVar aggregate classification (germline): Uncertain significance (1 of 4 stars; one submission).

gnomAD v4.1: 3 of 1,613,844 alleles (0.00019%); highest among the groups gnomAD compares: African/African-American, 0.004%; no homozygotes.

Submission:

GeneDx
Classification: Uncertain significance. Last evaluated: 2024-03-17. Review status: criteria provided, single submitter. Criteria: GeneDx Variant Classification Process June 2021. Collection method: clinical testing. Allele origin: germline. Affected: yes.
Comment: Not observed at significant frequency in large population cohorts (gnomAD); In silico analysis supports that this missense variant has a deleterious effect on protein structure/function; Has not been previously published as pathogenic or benign to our knowledge; Variants in candidate genes are classified as variants of uncertain significance in accordance with ACMG guidelines (PMID: 25741868)

NM_024721.5(ZFHX4):c.9190C>T (p.Leu3064Phe)

Gene: ZFHX4 (zinc finger homeobox 4; plus strand). Cytogenetic location: 8q21.13.
Variant type: single nucleotide variant.
Coding change: c.9190C>T on transcript NM_024721.5 (MANE Select); coding-DNA position 9190, C replaced by T.
Protein change: p.Leu3064Phe; replaces leucine 3064 with phenylalanine.
Molecular consequence: missense variant.
Genome position (GRCh38, 1-based): chr8:76,856,111, C>T. VCF-style: chr8-76856111-C-T. GRCh37 (hg19) VCF-style: chr8-77768347-C-T.
Other names: c.9112C>T, p.Leu3038Phe (NM_001410934.1); short protein forms L3038F, L3064F.
Identifiers: ClinVar variation 3900322 (VCV003900322.1).
Genomic context (GRCh38, chr8:76,856,111, plus strand): 5'-GATCGGGAGAAAGATTACTTGGCTCCGACCACGGTTCGGCAGCTGATGGCACAGCAAGAA[C>T]TTGATCGTATAAAGAAAGCTTCAGACGTGCTGGGCTTGACGGTACAGCAGCCAGGCATGA-3'
Protein context (NP_078997.4, residues 3054-3074): TVRQLMAQQE[Leu3064Phe]DRIKKASDVL